The following is an entry in ClinVar:

ClinVar aggregate classification (germline): Uncertain significance. Review status: criteria provided, multiple submitters, no conflicts (2 of 4 stars). 10 submissions from 10 submitters: Uncertain significance (9). 1 of the submissions does not count toward it. Last evaluated 2025-12-29.

Conditions:
Familial cancer of breast. Also called: hereditary breast carcinoma; Hereditary breast cancer; BREAST CANCER, FAMILIAL. Identifiers: Orphanet 227535, MedGen C0346153, MONDO:0016419, OMIM 114480. Disease mechanism: loss of function.
Ataxia-telangiectasia syndrome (AT). Also called: Ataxia telangiectasia (A-T); Cerebello-oculocutaneous telangiectasia; Immunodeficiency with ataxia telangiectasia; LOUIS-BAR SYNDROME; AT, COMPLEMENTATION GROUP C; ATAXIA-TELANGIECTASIA, FRESNO VARIANT. Identifiers: Orphanet 100, MedGen C0004135, MONDO:0008840, OMIM 208900.
Familial colorectal cancer type X. Identifiers: Orphanet 440437, MedGen C3896578, MONDO:0018604.
Hereditary cancer-predisposing syndrome. Also called: Neoplastic Syndromes, Hereditary; Hereditary neoplastic syndrome; Tumor predisposition; Hereditary Cancer Syndrome. Identifiers: Orphanet 140162, MedGen C0027672, MeSH D009386, MONDO:0015356.

Allele frequency attached by ClinVar (database versions not stated): gnomAD exomes below 0.00001 and 0.00002; gnomAD 0.00001 and 0.00002; 1000 Genomes Project 30x 0.00016; 1000 Genomes Project 0.00020; ExAC 0.00002.
gnomAD v4.1: 4 of 1,612,928 alleles (0.00025%); highest among the groups gnomAD compares: East Asian, 0.0089%; no homozygotes.

Submissions (10):

Center for Genomic Medicine, Rigshospitalet, Copenhagen University Hospital
Classification: Uncertain significance. Last evaluated: 2025-12-29. Review status: criteria provided, single submitter. Criteria: ACMG Guidelines, 2015. Collection method: clinical testing. Allele origin: germline.

Labcorp Genetics (formerly Invitae), Labcorp
Classification: Uncertain significance for Ataxia-telangiectasia syndrome. Last evaluated: 2025-12-16. Review status: criteria provided, single submitter. Criteria: Invitae Variant Classification Sherloc (09022015). Collection method: clinical testing. Allele origin: germline.
Comment: This sequence change replaces tryptophan, which is neutral and slightly polar, with glycine, which is neutral and non-polar, at codon 2638 of the ATM protein (p.Trp2638Gly). This variant is present in population databases (rs563137460, gnomAD 0.02%). This missense change has been observed in individual(s) with Lynch syndrome (PMID: 25980754). ClinVar contains an entry for this variant (Variation ID: 231709). Invitae Evidence Modeling of protein sequence and biophysical properties (such as structural, functional, and spatial information, amino acid conservation, physicochemical variation, residue mobility, and thermodynamic stability) has been performed for this missense variant. However, the output from this modeling did not meet the statistical confidence thresholds required to predict the impact of this variant on ATM protein function. In summary, the available evidence is currently insufficient to determine the role of this variant in disease. Therefore, it has been classified as a Variant of Uncertain Significance.

Ambry Genetics
Classification: Uncertain significance for Hereditary cancer-predisposing syndrome. Last evaluated: 2025-07-28. Review status: criteria provided, single submitter. Criteria: Ambry Variant Classification Scheme 2023. Collection method: clinical testing. Allele origin: germline.
Comment: The p.W2638G variant (also known as c.7912T>G), located in coding exon 52 of the ATM gene, results from a T to G substitution at nucleotide position 7912. The tryptophan at codon 2638 is replaced by glycine, an amino acid with highly dissimilar properties. This amino acid position is well conserved in available vertebrate species. In addition, this alteration is predicted to be deleterious by in silico analysis. Based on the available evidence, the clinical significance of this variant remains unclear.

Department of Pathology and Laboratory Medicine, Sinai Health System
Classification: Uncertain significance for Familial colorectal cancer type X. Last evaluated: 2024-05-07. Review status: criteria provided, single submitter. Criteria: ACMG Guidelines, 2015. Collection method: clinical testing. Allele origin: germline. Affected: yes.

Baylor Genetics
Classification: Uncertain significance for Familial cancer of breast. Last evaluated: 2024-02-27. Review status: criteria provided, single submitter. Criteria: ACMG Guidelines, 2015. Collection method: clinical testing. Allele origin: unknown.

Color Diagnostics, LLC DBA Color Health
Classification: Uncertain significance for Hereditary cancer-predisposing syndrome. Last evaluated: 2023-07-19. Review status: criteria provided, single submitter. Criteria: ACMG Guidelines, 2015. Collection method: clinical testing. Allele origin: germline.
Comment: This missense variant replaces tryptophan with glycine at codon 2638 of the ATM protein. Computational prediction is inconclusive regarding the impact of this variant on protein structure and function (internally defined REVEL score threshold 0.5 < inconclusive < 0.7, PMID: 27666373). To our knowledge, functional studies have not been reported for this variant. This variant has been reported in an individual affected with Lynch syndrome-associated cancer and/or polyps (PMID: 25980754). This variant has been identified in 5/250502 chromosomes in the general population by the Genome Aggregation Database (gnomAD). The available evidence is insufficient to determine the role of this variant in disease conclusively. Therefore, this variant is classified as a Variant of Uncertain Significance.

Sema4
Classification: Uncertain significance for Hereditary cancer-predisposing syndrome. Last evaluated: 2021-10-22. Review status: criteria provided, single submitter. Criteria: Sema4 Curation Guidelines. Collection method: curation. Allele origin: germline.
Comment: The ATM c.7912T>G (p.W2638G) variant has been reported in individuals with breast cancer and a history of Lynch syndrome-associated cancer (PMID: 29684080, 25980754). It was observed in 5/18368 chromosomes of the East Asian subpopulation in the large and broad cohorts of the Genome Aggregation Database (PMID: 32461654). This variant has been reported in ClinVar (Variation ID 231709). Functional studies have not been performed, and in silico predictions of the variant's effect on protein function are inconclusive. The evidence is insufficient to meet ACMG/AMP criteria for classifying the variant as benign or pathogenic. Thus, the clinical significance of this variant is currently uncertain.

Fulgent Genetics
Classification: Uncertain significance for Familial cancer of breast; Ataxia-telangiectasia syndrome. Last evaluated: 2018-10-31. Review status: criteria provided, single submitter. Criteria: ACMG Guidelines, 2015. Collection method: clinical testing. Allele origin: unknown.

GeneDx
Classification: Uncertain significance. Last evaluated: 2015-10-27. Review status: criteria provided, single submitter. Criteria: GeneDx Variant Classification (06012015). Collection method: clinical testing. Allele origin: germline. Affected: yes.
Comment: This variant is denoted ATM c.7912T>G at the cDNA level, p.Trp2638Gly (W2638G) at the protein level, and results in the change of a Tryptophan to a Glycine (TGG>GGG). This variant has been identified in at least one individual undergoing genetic testing for Lynch syndrome using a multi-gene panel (Yurgelun 2015). ATM Trp2638Gly was not observed in approximately 6,500 individuals of European and African American ancestry in the NHLBI Exome Sequencing Project, indicating it is not a common benign variant in these populations. Since Tryptophan and Glycine differ in some properties, this is considered a semi-conservative amino acid substitution. ATM Trp2638Gly occurs at a position that is conserved across species and is not located in a known functional domain. In silico analyses are inconsistent regarding the effect this variant may have on protein structure and function. Based on currently available information, it is unclear whether ATM Trp2638Gly is pathogenic or benign. We consider it to be a variant of uncertain significance.

Natera, Inc.
Classification: Uncertain significance for Ataxia-telangiectasia. Last evaluated: 2020-08-20. Review status: no assertion criteria provided. Collection method: clinical testing. Allele origin: germline. Not counted in ClinVar's aggregate classification.

Literature cited by the submitters: PubMed 25980754 (cited by 6 submitters); PubMed 29684080 (cited by Department of Pathology and Laboratory Medicine, Sinai Health System and Sema4).

NM_000051.4(ATM):c.7912T>G (p.Trp2638Gly)

Genes: ATM (ATM serine/threonine kinase; plus strand), C11orf65 (chromosome 11 open reading frame 65; minus strand). Cytogenetic location: 11q22.3.
Variant type: single nucleotide variant.
Coding change: c.7912T>G on transcript NM_000051.4 (MANE Select); coding-DNA position 7912, T replaced by G.
Protein change: p.Trp2638Gly; replaces tryptophan 2638 with glycine.
Molecular consequence: missense variant. On other transcripts: intron variant (2).
Genome position (GRCh38, 1-based): chr11:108,332,885, T>G. VCF-style: chr11-108332885-T-G. GRCh37 (hg19) VCF-style: chr11-108203612-T-G.
Other names: c.7912T>G, p.Trp2638Gly (NM_001351834.2); c.641-23814A>C (NM_001330368.2); c.*38+2335A>C (NM_001351110.2); short protein forms W2638G.
Identifiers: ClinVar variation 231709 (VCV000231709.36), dbSNP rs563137460, ClinGen allele CA6266210.